The following is an entry in ClinVar:

ClinVar aggregate classification (germline): Likely benign. Review status: criteria provided, multiple submitters, no conflicts (2 of 4 stars). 3 submissions from 3 submitters: Likely benign (3). Last evaluated 2025-09-14.

Conditions:
EMC1-related disorder. Also called: EMC1-related condition.

Allele frequency attached by ClinVar (database versions not stated): TOPMed 0.00013; ESP Exome Variant Server 0.00015; 1000 Genomes Project 30x 0.00016; 1000 Genomes Project 0.00020; gnomAD 0.00053 and 0.00056; gnomAD exomes 0.00069; ExAC 0.00085.
gnomAD v4.1: 555 of 1,611,952 alleles (0.034%); highest among the groups gnomAD compares: Non-Finnish European, 0.018%; 2 homozygotes.

Submissions (3):

Labcorp Genetics (formerly Invitae), Labcorp
Classification: Likely benign. Last evaluated: 2025-09-14. Review status: criteria provided, single submitter. Criteria: Invitae Variant Classification Sherloc (09022015). Collection method: clinical testing. Allele origin: germline.

Blueprint Genetics
Classification: Likely benign. Last evaluated: 2024-11-21. Review status: criteria provided, single submitter. Criteria: ACMG Guidelines, 2015. Collection method: clinical testing. Allele origin: germline.

PreventionGenetics, part of Exact Sciences
Classification: Likely benign for EMC1-related condition. Last evaluated: 2024-11-05. Review status: criteria provided, single submitter. Criteria: ACMG Guidelines, 2015. Collection method: clinical testing. Allele origin: germline.
Comment: This variant is classified as likely benign based on ACMG/AMP sequence variant interpretation guidelines (Richards et al. 2015 PMID: 25741868, with internal and published modifications).

NM_015047.3(EMC1):c.1058T>C (p.Met353Thr)

Genes: EMC1 (ER membrane protein complex subunit 1; minus strand), EMC1-AS1 (EMC1 antisense RNA 1; plus strand). Cytogenetic location: 1p36.13.
Variant type: single nucleotide variant.
Coding change: c.1058T>C on transcript NM_015047.3 (MANE Select); coding-DNA position 1058, T replaced by C.
Protein change: p.Met353Thr; replaces methionine 353 with threonine.
Molecular consequence: missense variant.
Genome position (GRCh38, 1-based): chr1:19,238,826, A>G on the plus strand (T>C on the coding strand, the complement: EMC1 is on the minus strand). VCF-style: chr1-19238826-A-G. GRCh37 (hg19) VCF-style: chr1-19565320-A-G.
Other names: c.1058T>C (NM_015047.2); c.1055T>C, p.Met352Thr (NM_001271427.2, NM_001375821.1); c.1058T>C, p.Met353Thr (NM_001271428.2, NM_001375820.1); c.992T>C, p.Met331Thr (NM_001271429.2); short protein forms M331T, M352T, M353T.
Identifiers: ClinVar variation 1126926 (VCV001126926.11), dbSNP rs200708107, ClinGen allele CA652696.